The following is an entry in ClinVar:

ClinVar aggregate classification (germline): Uncertain significance (1 of 4 stars; one submission).

Conditions:
Cornelia de Lange syndrome 1 (CDLS1). Also called: TYPUS DEGENERATIVUS AMSTELODAMENSIS; Brachmann de Lange syndrome; NIPBL-Related Cornelia de Lange Syndrome. Identifiers: Orphanet 199, MedGen C4551851, MONDO:0007387, OMIM 122470.

Submission:

Laboratorio de Genetica e Diagnostico Molecular, Hospital Israelita Albert Einstein
Classification: Uncertain significance for Cornelia de Lange syndrome 1. Last evaluated: 2024-06-21. Review status: criteria provided, single submitter. Criteria: ACMG Guidelines, 2015. Collection method: clinical testing. Allele origin: germline. Affected: yes.
Comment: ACMG classification criteria: PM2 supporting, PP2 supporting, BP4 supporting

NM_133433.4(NIPBL):c.8035G>A (p.Gly2679Arg)

Gene: NIPBL (NIPBL cohesin loading factor; plus strand). Cytogenetic location: 5p13.2.
Variant type: single nucleotide variant.
Coding change: c.8035G>A on transcript NM_133433.4 (MANE Select); coding-DNA position 8035, G replaced by A.
Protein change: p.Gly2679Arg; replaces glycine 2679 with arginine.
Molecular consequence: missense variant.
Genome position (GRCh38, 1-based): chr5:37,063,964, G>A. VCF-style: chr5-37063964-G-A. GRCh37 (hg19) VCF-style: chr5-37064066-G-A.
Other names: c.8035G>A, p.Gly2679Arg (NM_015384.5); short protein forms G2679R.
Identifiers: ClinVar variation 4056670 (VCV004056670.1).